The following is an entry in ClinVar:

ClinVar aggregate classification (germline): Conflicting classifications of pathogenicity. Review status: criteria provided, conflicting classifications (1 of 4 stars). 4 submissions from 4 submitters: Uncertain significance (3); Likely benign (1). Last evaluated 2025-06-02.

Conditions:
Cardiovascular phenotype. Identifiers: MedGen CN230736.
Alstrom syndrome (ALMS). Identifiers: Orphanet 64, MedGen C0268425, MONDO:0008763, OMIM 203800.

Allele frequency attached by ClinVar (database versions not stated): TOPMed 0.00001.
gnomAD v4.1: 19 of 1,614,146 alleles (0.0012%); highest among the groups gnomAD compares: Non-Finnish European, 0.0015%; no homozygotes.

Submissions (4):

Ambry Genetics
Classification: Uncertain significance for Cardiovascular phenotype. Last evaluated: 2025-06-02. Review status: criteria provided, single submitter. Criteria: Ambry Variant Classification Scheme 2023. Collection method: clinical testing. Allele origin: germline.
Comment: The p.Y2450C variant (also known as c.7349A>G), located in coding exon 8 of the ALMS1 gene, results from an A to G substitution at nucleotide position 7349. The tyrosine at codon 2450 is replaced by cysteine, an amino acid with highly dissimilar properties. This amino acid position is not well conserved in available vertebrate species. In addition, the in silico prediction for this alteration is inconclusive. Since supporting evidence is limited at this time, the clinical significance of this alteration remains unclear.

Blueprint Genetics
Classification: Likely benign. Last evaluated: 2024-11-08. Review status: criteria provided, single submitter. Criteria: ACMG Guidelines, 2015. Collection method: clinical testing. Allele origin: germline.

Labcorp Genetics (formerly Invitae), Labcorp
Classification: Uncertain significance for Alstrom syndrome. Last evaluated: 2022-03-18. Review status: criteria provided, single submitter. Criteria: Invitae Variant Classification Sherloc (09022015). Collection method: clinical testing. Allele origin: germline.
Comment: This sequence change replaces tyrosine, which is neutral and polar, with cysteine, which is neutral and slightly polar, at codon 2450 of the ALMS1 protein (p.Tyr2450Cys). This variant is present in population databases (rs766767334, gnomAD 0.007%). This variant has not been reported in the literature in individuals affected with ALMS1-related conditions. Experimental studies and prediction algorithms are not available or were not evaluated, and the functional significance of this variant is currently unknown. In summary, the available evidence is currently insufficient to determine the role of this variant in disease. Therefore, it has been classified as a Variant of Uncertain Significance.

Fulgent Genetics
Classification: Uncertain significance for Alstrom syndrome. Last evaluated: 2022-01-03. Review status: criteria provided, single submitter. Criteria: ACMG Guidelines, 2015. Collection method: clinical testing. Allele origin: unknown.

NM_001378454.1(ALMS1):c.7346A>G (p.Tyr2449Cys)

Gene: ALMS1 (ALMS1 centrosome and basal body associated protein; plus strand). Cytogenetic location: 2p13.1.
Variant type: single nucleotide variant.
Coding change: c.7346A>G on transcript NM_001378454.1 (MANE Select); coding-DNA position 7346, A replaced by G.
Protein change: p.Tyr2449Cys; replaces tyrosine 2449 with cysteine.
Molecular consequence: missense variant.
Genome position (GRCh38, 1-based): chr2:73,453,873, A>G. VCF-style: chr2-73453873-A-G. GRCh37 (hg19) VCF-style: chr2-73681000-A-G.
Other names: c.7349A>G, p.Tyr2450Cys (NM_015120.4); short protein forms Y2449C, Y2450C.
Identifiers: ClinVar variation 1473944 (VCV001473944.8), dbSNP rs766767334, ClinGen allele CA1714216.